The following is an entry in ClinVar:

ClinVar aggregate classification (germline): Pathogenic (1 of 4 stars; one submission).

Conditions:
Primary ciliary dyskinesia 3. Identifiers: Orphanet 244, MedGen C1837618, MONDO:0012085, OMIM 608644.

Submission:

Myriad Genetics, Inc.
Classification: Pathogenic for Primary ciliary dyskinesia 3. Last evaluated: 2023-09-07. Review status: criteria provided, single submitter. Criteria: Myriad Autosomal Dominant, Autosomal Recessive and X-Linked Classification Criteria (2023). Collection method: clinical testing. Allele origin: unknown.
Comment: NM_001369.2(DNAH5):c.8501delT(F2834Sfs*7) is expected to be pathogenic in the context of primary ciliary dyskinesia, DNAH5-related. This variant is predicted to lead to an abnormal or absent protein product due to the creation of a premature termination codon in DNAH5, a gene where loss-of-function variants are known to be pathogenic. Please note: this variant was assessed in the context of healthy population screening.

NM_001369.3(DNAH5):c.8501del (p.Phe2834fs)

Gene: DNAH5 (dynein axonemal heavy chain 5; minus strand). Cytogenetic location: 5p15.2.
Variant type: Deletion.
Coding change: c.8501del on transcript NM_001369.3 (MANE Select); coding-DNA position 8501, one base deleted (T; older notation c.8501delT).
Protein change: p.Phe2834fs; shifts the reading frame from phenylalanine 2834.
Molecular consequence: frameshift variant.
Genome position (GRCh38, 1-based): chr5:13,788,862, A deleted on the plus strand (T on the coding strand, the reverse complement: DNAH5 is on the minus strand); the first of 3 consecutive A bases (chr5:13,788,862-13,788,864); deleting any one gives the same sequence. VCF-style (leftmost placement, unchanged base first): chr5-13788861-GA-G. GRCh37 (hg19) VCF-style: chr5-13788970-GA-G.
Other names: short protein forms F2834fs.
Identifiers: ClinVar variation 5011591 (VCV005011591.1).
Genomic context (GRCh38, chr5:13,788,861, plus strand): 5'-CTCCTCCTCTACCAAACTTACTAAAGCCTTATCAAACCAGGTCACATCACTGGACACTGT[GA>G]AACGGTCAGCTATAACACGTTTACACTCATGCTTCCACAGCTTTAACAGATCCTGTTGAA-3'